The following is an entry in ClinVar:

ClinVar aggregate classification (germline): Uncertain significance (1 of 4 stars; one submission).

Conditions:
Generalized epilepsy with febrile seizures plus, type 7 (GEFSP7). Also called: GEFS+, TYPE 7. Identifiers: Orphanet 36387, MedGen C2751778, MONDO:0013470, OMIM 613863.
Neuropathy, hereditary sensory and autonomic, type 2A (HSAN2A). Also called: HSAN IIA; ACROOSTEOLYSIS, GIACCAI TYPE; ACROOSTEOLYSIS, NEUROGENIC; MORVAN DISEASE; NEUROPATHY, CONGENITAL SENSORY; NEUROPATHY, HEREDITARY SENSORY RADICULAR, AUTOSOMAL RECESSIVE. Identifiers: Orphanet 970, MedGen C2752089, MONDO:0024309, OMIM 201300.

Submission:

Labcorp Genetics (formerly Invitae), Labcorp
Classification: Uncertain significance for Neuropathy, hereditary sensory and autonomic, type 2A; Generalized epilepsy with febrile seizures plus, type 7. Last evaluated: 2020-09-10. Review status: criteria provided, single submitter. Criteria: Invitae Variant Classification Sherloc (09022015). Collection method: clinical testing. Allele origin: germline.
Comment: This sequence change replaces serine with phenylalanine at codon 1847 of the SCN9A protein (p.Ser1847Phe). The serine residue is moderately conserved and there is a large physicochemical difference between serine and phenylalanine. This variant is not present in population databases (ExAC no frequency). This variant has not been reported in the literature in individuals with SCN9A-related conditions. Algorithms developed to predict the effect of missense changes on protein structure and function are either unavailable or do not agree on the potential impact of this missense change (SIFT: "Deleterious"; PolyPhen-2: "Benign"; Align-GVGD: "Class C0"). In summary, the available evidence is currently insufficient to determine the role of this variant in disease. Therefore, it has been classified as a Variant of Uncertain Significance.

NM_001365536.1(SCN9A):c.5573C>T (p.Ser1858Phe)

Genes: SCN1A-AS1 (SCN1A and SCN9A antisense RNA 1; plus strand), SCN9A (sodium voltage-gated channel alpha subunit 9; minus strand). Cytogenetic location: 2q24.3.
Variant type: single nucleotide variant.
Coding change: c.5573C>T on transcript NM_001365536.1 (MANE Select); coding-DNA position 5573, C replaced by T.
Protein change: p.Ser1858Phe; replaces serine 1858 with phenylalanine.
Molecular consequence: missense variant.
Genome position (GRCh38, 1-based): chr2:166,199,066, G>A on the plus strand (C>T on the coding strand, the complement: SCN9A is on the minus strand). VCF-style: chr2-166199066-G-A. GRCh37 (hg19) VCF-style: chr2-167055576-G-A.
Other names: c.5540C>T, p.Ser1847Phe (NM_002977.4); short protein forms S1847F, S1858F.
Identifiers: ClinVar variation 1054915 (VCV001054915.9), dbSNP rs1693346625, ClinGen allele CA349052240.